The following is an entry in ClinVar:

ClinVar aggregate classification (germline): Benign/Likely benign. Review status: criteria provided, multiple submitters, no conflicts (2 of 4 stars). 7 submissions from 7 submitters: Benign (1); Likely benign (4). 2 of the submissions do not count toward it. Last evaluated 2025-10-04.

Conditions:
ARID1B-Related Disorder. Identifiers: MedGen CN381337.
Inborn genetic diseases. Identifiers: MedGen C0950123, MeSH D030342.

Submissions (7):

Labcorp Genetics (formerly Invitae), Labcorp
Classification: Likely benign. Last evaluated: 2025-10-04. Review status: criteria provided, single submitter. Criteria: Invitae Variant Classification Sherloc (09022015). Collection method: clinical testing. Allele origin: germline.

Blueprint Genetics
Classification: Likely benign. Last evaluated: 2024-09-10. Review status: criteria provided, single submitter. Criteria: ACMG Guidelines, 2015. Collection method: clinical testing. Allele origin: germline.

CeGaT Center for Human Genetics Tuebingen
Classification: Benign. Last evaluated: 2024-09-01. Review status: criteria provided, single submitter. Criteria: CeGaT Center For Human Genetics Tuebingen Variant Classification Criteria Version 2. Collection method: clinical testing. Allele origin: germline. Affected: yes. Observed: 1 variant allele.
Comment: ARID1B: BS1, BS2

GeneDx
Classification: Likely benign. Last evaluated: 2022-01-28. Review status: criteria provided, single submitter. Criteria: GeneDx Variant Classification Process June 2021. Collection method: clinical testing. Allele origin: germline. Affected: yes.

Ambry Genetics
Classification: Likely benign for Inborn genetic diseases. Last evaluated: 2017-08-30. Review status: criteria provided, single submitter. Criteria: Ambry Variant Classification Scheme 2023. Collection method: clinical testing. Allele origin: germline.

PreventionGenetics, part of Exact Sciences
Classification: Likely benign for ARID1B-related condition. Last evaluated: 2023-08-17. Review status: no assertion criteria provided. Collection method: clinical testing. Allele origin: germline. Not counted in ClinVar's aggregate classification.
Comment: This variant is classified as likely benign based on ACMG/AMP sequence variant interpretation guidelines (Richards et al. 2015 PMID: 25741868, with internal and published modifications).

Gharavi Laboratory, Columbia University
Classification: Uncertain significance. Last evaluated: 2018-09-16. Review status: no assertion criteria provided. Criteria: ACMG Guidelines, 2015. Collection method: research. Allele origin: germline. Affected: yes. Not counted in ClinVar's aggregate classification.

NM_001374828.1(ARID1B):c.1211GAG[4] (p.Gly408_Gly411del)

Gene: ARID1B (AT-rich interaction domain 1B; plus strand). Cytogenetic location: 6q25.3.
Variant type: Microsatellite.
Coding change: c.1211GAG[4] on transcript NM_001374828.1 (MANE Select); four copies in a row of the 3-base unit GAG starting at c.1211; the reference has eight copies in a row; four copies, 12 bases deleted.
Protein change: p.Gly408_Gly411del.
Molecular consequence: inframe deletion.
Genome position (GRCh38, 1-based): chr6:156,778,903-156,778,914, GAGGAGGAGGAG deleted; deleting any 12 consecutive bases within chr6:156,778,890-156,778,914 gives the same sequence; the position shown is the placement nearest the transcript's 3' end. VCF-style (leftmost placement, unchanged base first): chr6-156778889-CGGAGGAGGAGGA-C. GRCh37 (hg19) VCF-style: chr6-157100023-CGGAGGAGGAGGA-C.
Other names: c.1211GAG[4], p.Gly408_Gly411del (NM_001371656.1, NM_001374820.1, NM_017519.3); c.974_985del (NM_020732.3); c.974_985del12 (NM_020732.3).
Identifiers: ClinVar variation 591999 (VCV000591999.29), dbSNP rs747790383, ClinGen allele CA150802764.
Genomic context (GRCh38, chr6:156,778,889, plus strand): 5'-CTACAGCCGGCCCGGCGCGGGCGGCGGCGGCGGCGGCGGCGGCGGAGGAGGAGGAGGCAG[CGGAGGAGGAGGA>C]GGAGGAGGAGGAGCAGGAGCAGGAGGAGCAGGAGCGGGAGCTGTGGCGGCGGCGGCCGCG-3'